The following is an entry in ClinVar:

ClinVar aggregate classification (germline): Uncertain significance (1 of 4 stars; one submission).

Conditions:
Cranium bifidum occultum. Also called: Enlarged Parietal Foramina; CATLIN MARKS; CRANIUM BIFIDUM, HEREDITARY. Identifiers: MedGen C1868598, HP:0004423.

gnomAD v4.1: 1 of 1,552,462 alleles (0.000064%); highest among the groups gnomAD compares: Non-Finnish European, 0.000087%; no homozygotes.

Submission:

Labcorp Genetics (formerly Invitae), Labcorp
Classification: Uncertain significance for Cranium bifidum occultum. Last evaluated: 2025-04-02. Review status: criteria provided, single submitter. Criteria: Invitae Variant Classification Sherloc (09022015). Collection method: clinical testing. Allele origin: germline.
Comment: This sequence change replaces valine, which is neutral and non-polar, with leucine, which is neutral and non-polar, at codon 49 of the MSX2 protein (p.Val49Leu). This variant is not present in population databases (gnomAD no frequency). This variant has not been reported in the literature in individuals affected with MSX2-related conditions. ClinVar contains an entry for this variant (Variation ID: 3699969). Invitae Evidence Modeling of protein sequence and biophysical properties (such as structural, functional, and spatial information, amino acid conservation, physicochemical variation, residue mobility, and thermodynamic stability) indicates that this missense variant is expected to disrupt MSX2 protein function with a positive predictive value of 80%. In summary, the available evidence is currently insufficient to determine the role of this variant in disease. Therefore, it has been classified as a Variant of Uncertain Significance.

NM_002449.5(MSX2):c.145G>C (p.Val49Leu)

Gene: MSX2 (msh homeobox 2; plus strand). Cytogenetic location: 5q35.2.
Variant type: single nucleotide variant.
Coding change: c.145G>C on transcript NM_002449.5 (MANE Select); coding-DNA position 145, G replaced by C.
Protein change: p.Val49Leu; replaces valine 49 with leucine.
Molecular consequence: missense variant.
Genome position (GRCh38, 1-based): chr5:174,724,804, G>C. VCF-style: chr5-174724804-G-C. GRCh37 (hg19) VCF-style: chr5-174151807-G-C.
Other names: c.145G>C, p.Val49Leu (NM_001363626.2); short protein forms V49L.
Identifiers: ClinVar variation 3699969 (VCV003699969.2).
Genomic context (GRCh38, chr5:174,724,804, plus strand): 5'-GGGGGCGCCGAGGGGGCCGCGGAGGAGCGCCGCGTCAAGGTCTCCAGCCTGCCCTTCAGC[G>C]TGGAGGCGCTCATGTCCGACAAGAAGCCGCCCAAGGAGGCGTCCCCGCTGCCGGCCGAAA-3'
Protein context (NP_002440.2, residues 39-59): RVKVSSLPFS[Val49Leu]EALMSDKKPP